The following is an entry in ClinVar:

ClinVar aggregate classification (germline): Uncertain significance. Review status: criteria provided, multiple submitters, no conflicts (2 of 4 stars). 3 submissions from 3 submitters: Uncertain significance (3). Last evaluated 2025-01-26.

Conditions:
Global developmental delay - lung cysts - overgrowth - Wilms tumor syndrome. Also called: GLOW Syndrome; GLOBAL DEVELOPMENTAL DELAY, LUNG CYSTS, OVERGROWTH, AND WILMS TUMOR. Identifiers: Orphanet 404476, MedGen C4748924, MONDO:0018445, OMIM 618272.
DICER1-related tumor predisposition. Also called: DICER1-related pleuropulmonary blastoma cancer predisposition syndrome; DICER1 syndrome. Identifiers: Orphanet 284343, MedGen C3839822, MONDO:0100216.
Hereditary cancer-predisposing syndrome. Also called: Neoplastic Syndromes, Hereditary; Hereditary neoplastic syndrome; Hereditary Cancer Syndrome; Tumor predisposition. Identifiers: Orphanet 140162, MedGen C0027672, MeSH D009386, MONDO:0015356.

Allele frequency attached by ClinVar (database versions not stated): gnomAD exomes below 0.00001.
gnomAD v4.1: 1 of 1,614,198 alleles (0.000062%); highest among the groups gnomAD compares: Non-Finnish European, 0.000085%; no homozygotes.

Submissions (3):

Labcorp Genetics (formerly Invitae), Labcorp
Classification: Uncertain significance for DICER1-related tumor predisposition. Last evaluated: 2025-01-26. Review status: criteria provided, single submitter. Criteria: Invitae Variant Classification Sherloc (09022015). Collection method: clinical testing. Allele origin: germline.
Comment: This sequence change replaces aspartic acid, which is acidic and polar, with asparagine, which is neutral and polar, at codon 1547 of the DICER1 protein (p.Asp1547Asn). This variant is not present in population databases (gnomAD no frequency). This variant has not been reported in the literature in individuals affected with DICER1-related conditions. ClinVar contains an entry for this variant (Variation ID: 947239). Invitae Evidence Modeling of protein sequence and biophysical properties (such as structural, functional, and spatial information, amino acid conservation, physicochemical variation, residue mobility, and thermodynamic stability) indicates that this missense variant is not expected to disrupt DICER1 protein function with a negative predictive value of 95%. In summary, the available evidence is currently insufficient to determine the role of this variant in disease. Therefore, it has been classified as a Variant of Uncertain Significance.

Ambry Genetics
Classification: Uncertain significance for Hereditary cancer-predisposing syndrome. Last evaluated: 2024-06-05. Review status: criteria provided, single submitter. Criteria: Ambry Variant Classification Scheme 2023. Collection method: clinical testing. Allele origin: germline.
Comment: The p.D1547N variant (also known as c.4639G>A), located in coding exon 22 of the DICER1 gene, results from a G to A substitution at nucleotide position 4639. The aspartic acid at codon 1547 is replaced by asparagine, an amino acid with highly similar properties. This amino acid position is highly conserved in available vertebrate species. In addition, this alteration is predicted to be tolerated by in silico analysis. Since supporting evidence is limited at this time, the clinical significance of this alteration remains unclear.

Baylor Genetics
Classification: Uncertain significance for Global developmental delay - lung cysts - overgrowth - Wilms tumor syndrome. Last evaluated: 2023-11-21. Review status: criteria provided, single submitter. Criteria: ACMG Guidelines, 2015. Collection method: clinical testing. Allele origin: unknown.

NM_177438.3(DICER1):c.4639G>A (p.Asp1547Asn)

Gene: DICER1 (dicer 1, ribonuclease III; minus strand). Cytogenetic location: 14q32.13.
Variant type: single nucleotide variant.
Coding change: c.4639G>A on transcript NM_177438.3 (MANE Select); coding-DNA position 4639, G replaced by A.
Protein change: p.Asp1547Asn; replaces aspartic acid 1547 with asparagine.
Molecular consequence: missense variant.
Genome position (GRCh38, 1-based): chr14:95,096,281, C>T on the plus strand (G>A on the coding strand, the complement: DICER1 is on the minus strand). VCF-style: chr14-95096281-C-T. GRCh37 (hg19) VCF-style: chr14-95562618-C-T.
Other names: c.4639G>A, p.Asp1547Asn (NM_001195573.1, NM_001271282.3, NM_001291628.2 and 1 more transcripts); short protein forms D1547N.
Identifiers: ClinVar variation 947239 (VCV000947239.13), dbSNP rs1890326180, ClinGen allele CA390867634.